The following is an entry in ClinVar:

NM_001370100.5(ZMYND11):c.1463G>A (p.Arg488Gln)

Genes: ZMYND11 (zinc finger MYND-type containing 11; plus strand), LOC126860802 (BRD4-independent group 4 enhancer GRCh37_chr10:294268-295467; plus strand). Cytogenetic location: 10p15.3.
Variant type: single nucleotide variant.
Coding change: c.1463G>A on transcript NM_001370100.5 (MANE Select); coding-DNA position 1463, G replaced by A.
Protein change: p.Arg488Gln; replaces arginine 488 with glutamine.
Molecular consequence: missense variant. On other transcripts: non-coding transcript variant (1).
Genome position (GRCh38, 1-based): chr10:248,571, G>A. VCF-style: chr10-248571-G-A. GRCh37 (hg19) VCF-style: chr10-294511-G-A.
Other names: c.992G>A, p.Arg331Gln (NM_001370124.3); c.1463G>A, p.Arg488Gln (NM_006624.7, NM_001202468.1, NM_001370097.3 and 4 more transcripts); c.1460G>A, p.Arg487Gln (NM_212479.4, NM_001370115.2); c.1301G>A, p.Arg434Gln (NM_001202464.3, NM_001202467.1, NM_001370103.2 and 6 more transcripts); c.1208G>A, p.Arg403Gln (NM_001202465.3, NM_001370110.2); c.1298G>A, p.Arg433Gln (NM_001202466.3, NM_001370111.2); c.1412G>A, p.Arg471Gln (NM_001330057.3, NM_001370112.2); c.1370G>A, p.Arg457Gln (NM_001370113.2, NM_001370114.2); and 8 more; short protein forms R386Q, R394Q, R457Q, R466Q, R487Q, R331Q, R434Q, R369Q.
Identifiers: ClinVar variation 3676964 (VCV003676964.2).

ClinVar aggregate classification (germline): Uncertain significance (1 of 4 stars; one submission).

gnomAD v4.1: 2 of 1,612,668 alleles (0.00012%); highest among the groups gnomAD compares: Admixed American, 0.0017%; no homozygotes.

Submission:

Labcorp Genetics (formerly Invitae), Labcorp
Classification: Uncertain significance. Last evaluated: 2025-06-22. Review status: criteria provided, single submitter. Criteria: Invitae Variant Classification Sherloc (09022015). Collection method: clinical testing. Allele origin: germline.
Comment: This sequence change replaces arginine, which is basic and polar, with glutamine, which is neutral and polar, at codon 488 of the ZMYND11 protein (p.Arg488Gln). This variant is present in population databases (no rsID available, gnomAD 0.003%). This variant has not been reported in the literature in individuals affected with ZMYND11-related conditions. ClinVar contains an entry for this variant (Variation ID: 3676964). Invitae Evidence Modeling of protein sequence and biophysical properties (such as structural, functional, and spatial information, amino acid conservation, physicochemical variation, residue mobility, and thermodynamic stability) indicates that this missense variant is not expected to disrupt ZMYND11 protein function with a negative predictive value of 80%. In summary, the available evidence is currently insufficient to determine the role of this variant in disease. Therefore, it has been classified as a Variant of Uncertain Significance.